The following is an entry in ClinVar:

NM_000430.4(PAFAH1B1):c.43A>G (p.Ile15Val)

Gene: PAFAH1B1 (platelet activating factor acetylhydrolase 1b regulatory subunit 1; plus strand). Cytogenetic location: 17p13.3.
Variant type: single nucleotide variant.
Coding change: c.43A>G on transcript NM_000430.4 (MANE Select); coding-DNA position 43, A replaced by G.
Protein change: p.Ile15Val; replaces isoleucine 15 with valine.
Molecular consequence: missense variant.
Genome position (GRCh38, 1-based): chr17:2,665,382, A>G. VCF-style: chr17-2665382-A-G. GRCh37 (hg19) VCF-style: chr17-2568676-A-G.
Other names: short protein forms I15V.
Identifiers: ClinVar variation 1390489 (VCV001390489.6), dbSNP rs774411293, ClinGen allele CA8283096.

ClinVar aggregate classification (germline): Uncertain significance (1 of 4 stars; one submission).

Allele frequency attached by ClinVar (database versions not stated): gnomAD exomes below 0.00001 and 0.00001; ExAC 0.00001; TOPMed 0.00002; gnomAD 0.00003.
gnomAD v4.1: 9 of 1,599,124 alleles (0.00056%); highest among the groups gnomAD compares: African/African-American, 0.0094%; no homozygotes.

Submission:

Labcorp Genetics (formerly Invitae), Labcorp
Classification: Uncertain significance. Last evaluated: 2024-06-24. Review status: criteria provided, single submitter. Criteria: Invitae Variant Classification Sherloc (09022015). Collection method: clinical testing. Allele origin: germline.
Comment: This sequence change replaces isoleucine, which is neutral and non-polar, with valine, which is neutral and non-polar, at codon 15 of the PAFAH1B1 protein (p.Ile15Val). This variant is present in population databases (rs774411293, gnomAD 0.007%). This variant has not been reported in the literature in individuals affected with PAFAH1B1-related conditions. ClinVar contains an entry for this variant (Variation ID: 1390489). An algorithm developed to predict the effect of missense changes on protein structure and function (PolyPhen-2) suggests that this variant is likely to be tolerated. In summary, the available evidence is currently insufficient to determine the role of this variant in disease. Therefore, it has been classified as a Variant of Uncertain Significance.